The following is an entry in ClinVar:

ClinVar aggregate classification (germline): Conflicting classifications of pathogenicity. Review status: criteria provided, conflicting classifications (1 of 4 stars). 11 submissions from 11 submitters: Likely pathogenic (4); Uncertain significance (6). 1 of the submissions does not count toward it. Last evaluated 2025-10-10.

Conditions:
Muscular dystrophy, limb-girdle, autosomal dominant 4. Also called: Calpain-3-related limb-girdle muscular dystrophy D4; MUSCULAR DYSTROPHY, LIMB-GIRDLE, TYPE 1I. Identifiers: Orphanet 565909, MedGen C4748295, MONDO:0029133, OMIM 618129.
Autosomal recessive limb-girdle muscular dystrophy type 2A (LGMDR1). Also called: Limb-girdle muscular dystrophy, type 2A; LEYDEN-MOEBIUS MUSCULAR DYSTROPHY; MUSCULAR DYSTROPHY, PELVOFEMORAL; Calpainopathy; Muscular dystrophy, limb-girdle, type 2A, Amish. Identifiers: Orphanet 267, MedGen C1869123, MONDO:0009675, OMIM 253600. Disease mechanism: loss of function.

Allele frequency attached by ClinVar (database versions not stated): gnomAD exomes 0.00002; ExAC 0.00003; TOPMed 0.00003; gnomAD 0.00004 and 0.00005; 1000 Genomes Project 30x 0.00031; 1000 Genomes Project 0.00040.

Submissions (11):

Natera, Inc.
Classification: Likely pathogenic for Limb-girdle muscular dystrophy type 2A. Last evaluated: 2025-10-10. Review status: criteria provided, single submitter. Criteria: Natera Variant Classification Schema (03/2026). Collection method: clinical testing. Allele origin: germline.
Comment: The c.2093G>A variant in CAPN3 is a missense variant predicted to cause substitution of arginine to histidine at amino acid 698. This variant is rare in the general population with a frequency below the threshold expected for the associated phenotype(s). This variant has been observed in one or more individuals affected with the associated recessive disease, as either homozygous or compound heterozygous with a second variant (PMID: 25135358). A different variant at the same position has been determined to be Pathogenic or Likely Pathogenic. Computational prediction algorithms indicate this variant is likely to affect gene or protein function. Given the available evidence, this variant is classified as Likely Pathogenic.

Women's Health and Genetics/Laboratory Corporation of America, LabCorp
Classification: Uncertain significance. Last evaluated: 2025-07-28. Review status: criteria provided, single submitter. Criteria: LabCorp Variant Classification Summary - May 2015. Collection method: clinical testing. Allele origin: germline.
Comment: Variant summary: CAPN3 c.2093G>A (p.Arg698His) results in a non-conservative amino acid change located in the EF-hand domain (IPR002048) of the encoded protein sequence. Algorithms developed to predict the effect of missense changes on protein structure and function all suggest that this variant is likely to be disruptive. The variant allele was found at a frequency of 2.4e-05 in 251334 control chromosomes. c.2093G>A has been reported in the literature in individuals affected with Limb-Girdle Muscular Dystrophy, Autosomal Recessive (Stehlikova_2014, Nallamilli_2018, Bevilacqua_2024), and one was reported as compound heterozygous with a pathogenic variant. These data indicate that the variant may be associated with disease. To our knowledge, no experimental evidence demonstrating an impact on protein function has been reported. Additionally, at least one variant at the Arg698 residue has been reported as associated with disease in ClinVar (p.Arg698Cys), suggesting that this codon is functionally important. These data indicate that the variant is very likely to be associated with disease. The following publications have been ascertained in the context of this evaluation (PMID: 25135358, 30564623, 39678382). ClinVar contains an entry for this variant (Variation ID: 499036). Based on the evidence outlined above, the variant was classified as VUS-possibly pathogenic.

Labcorp Genetics (formerly Invitae), Labcorp
Classification: Uncertain significance for Autosomal recessive limb-girdle muscular dystrophy type 2A. Last evaluated: 2025-07-21. Review status: criteria provided, single submitter. Criteria: Invitae Variant Classification Sherloc (09022015). Collection method: clinical testing. Allele origin: germline.
Comment: This sequence change replaces arginine, which is basic and polar, with histidine, which is basic and polar, at codon 698 of the CAPN3 protein (p.Arg698His). This variant is present in population databases (rs190793093, gnomAD 0.01%). This missense change has been observed in individual(s) with limb-girdle muscular dystrophy (PMID: 25135358, 30564623; internal data). ClinVar contains an entry for this variant (Variation ID: 499036). Invitae Evidence Modeling of protein sequence and biophysical properties (such as structural, functional, and spatial information, amino acid conservation, physicochemical variation, residue mobility, and thermodynamic stability) indicates that this missense variant is not expected to disrupt CAPN3 protein function with a negative predictive value of 80%. This variant disrupts the p.Arg698 amino acid residue in CAPN3. Other variant(s) that disrupt this residue have been determined to be pathogenic (PMID: 10330340, 15689361, 16411092, 21204801). This suggests that this residue is clinically significant, and that variants that disrupt this residue are likely to be disease-causing. In summary, the available evidence is currently insufficient to determine the role of this variant in disease. Therefore, it has been classified as a Variant of Uncertain Significance.

Fulgent Genetics
Classification: Likely pathogenic for Autosomal recessive limb-girdle muscular dystrophy type 2A; Muscular dystrophy, limb-girdle, autosomal dominant 4. Last evaluated: 2024-04-15. Review status: criteria provided, single submitter. Criteria: ACMG Guidelines, 2015. Collection method: clinical testing. Allele origin: germline.

GeneDx
Classification: Likely pathogenic. Last evaluated: 2023-12-01. Review status: criteria provided, single submitter. Criteria: GeneDx Variant Classification Process June 2021. Collection method: clinical testing. Allele origin: germline. Affected: yes.
Comment: In silico analysis supports that this missense variant has a deleterious effect on protein structure/function; This variant is associated with the following publications: (PMID: 16411092, 21204801, 10330340, 15689361, 37526466, 25135358, 30564623)

Baylor Genetics
Classification: Uncertain significance for Muscular dystrophy, limb-girdle, autosomal dominant 4. Last evaluated: 2023-08-07. Review status: criteria provided, single submitter. Criteria: ACMG Guidelines, 2015. Collection method: clinical testing. Allele origin: unknown.

Revvity Omics, Revvity
Classification: Uncertain significance. Last evaluated: 2020-12-08. Review status: criteria provided, single submitter. Criteria: ACMG Guidelines, 2015. Collection method: clinical testing. Allele origin: germline.

HudsonAlpha Institute for Biotechnology
Classification: Uncertain significance for Autosomal recessive limb-girdle muscular dystrophy type 2A. Last evaluated: 2018-04-16. Review status: criteria provided, single submitter. Criteria: ACMG Guidelines, 2015. Collection method: research. Allele origin: paternal. Affected: yes. Observed: 1 variant allele. Study: CSER-HudsonAlpha.

Eurofins Ntd Llc (ga)
Classification: Uncertain significance. Last evaluated: 2017-01-23. Review status: criteria provided, single submitter. Criteria: EGL Classification Definitions 2015. Collection method: clinical testing. Allele origin: germline. Observed: 1 variant allele, 1 heterozygote.

Juno Genomics, Hangzhou Juno Genomics, Inc
Classification: Likely pathogenic for Autosomal recessive limb-girdle muscular dystrophy type 2A. Review status: criteria provided, single submitter. Criteria: ACMG Guidelines, 2015. Collection method: clinical testing. Allele origin: germline.
Comment: Absent from controls (or at extremely low frequency if recessive) in Genome Aggregation Database.;Multiple lines of computational evidence support a deleterious effect on the gene or gene product.;Novel missense change at an amino acid residue where a different missense change determined to be pathogenic has been seen before.;For recessive disorders, detected in trans with a pathogenic variant.;Patient's phenotype or family history is highly specific for a disease with a single genetic etiology.

Counsyl
Classification: Uncertain significance for Autosomal recessive limb-girdle muscular dystrophy type 2A. Last evaluated: 2017-03-15. Review status: no assertion criteria provided. Collection method: clinical testing. Allele origin: unknown. Not counted in ClinVar's aggregate classification.

Literature cited by the submitters: PubMed 25135358 (cited by 5 submitters); PubMed 30564623 (cited by Women's Health and Genetics/Laboratory Corporation of America, LabCorp and Labcorp Genetics (formerly Invitae), Labcorp); PubMed 39678382 (cited by Women's Health and Genetics/Laboratory Corporation of America, LabCorp); PubMed 10330340 (cited by Labcorp Genetics (formerly Invitae), Labcorp); PubMed 15689361 (cited by Labcorp Genetics (formerly Invitae), Labcorp); PubMed 16411092 (cited by Labcorp Genetics (formerly Invitae), Labcorp); PubMed 21204801 (cited by Labcorp Genetics (formerly Invitae), Labcorp).

NM_000070.3(CAPN3):c.2093G>A (p.Arg698His)

Gene: CAPN3 (calpain 3; plus strand). Cytogenetic location: 15q15.1.
Variant type: single nucleotide variant.
Coding change: c.2093G>A on transcript NM_000070.3 (MANE Select); coding-DNA position 2093, G replaced by A.
Protein change: p.Arg698His; replaces arginine 698 with histidine.
Molecular consequence: missense variant.
Genome position (GRCh38, 1-based): chr15:42,409,973, G>A. VCF-style: chr15-42409973-G-A. GRCh37 (hg19) VCF-style: chr15-42702171-G-A.
Other names: c.2075G>A, p.Arg692His (NM_024344.2); c.1817G>A, p.Arg606His (NM_173087.2); c.557G>A, p.Arg186His (NM_173088.2); c.98G>A, p.Arg33His (NM_173089.2, NM_173090.2); short protein forms R698H, R692H, R33H, R606H, R186H.
Identifiers: ClinVar variation 499036 (VCV000499036.22), dbSNP rs190793093, ClinGen allele CA7511710.